The following is an entry in ClinVar:

NM_002691.4(POLD1):c.2668G>A (p.Ala890Thr)

Gene: POLD1 (DNA polymerase delta 1, catalytic subunit; plus strand). Cytogenetic location: 19q13.33.
Variant type: single nucleotide variant.
Coding change: c.2668G>A on transcript NM_002691.4 (MANE Select); coding-DNA position 2668, G replaced by A.
Protein change: p.Ala890Thr; replaces alanine 890 with threonine.
Molecular consequence: missense variant. On other transcripts: non-coding transcript variant (1).
Genome position (GRCh38, 1-based): chr19:50,415,541, G>A. VCF-style: chr19-50415541-G-A. GRCh37 (hg19) VCF-style: chr19-50918798-G-A.
Other names: c.2668G>A, p.Ala890Thr (NM_001256849.1); c.2746G>A, p.Ala916Thr (NM_001308632.1); c.2668G>A (NM_002691.2); short protein forms A890T, A916T.
Identifiers: ClinVar variation 537131 (VCV000537131.11), dbSNP rs1555793052, ClinGen allele CA406985586.

ClinVar aggregate classification (germline): Uncertain significance. Review status: criteria provided, multiple submitters, no conflicts (2 of 4 stars). 3 submissions from 3 submitters: Uncertain significance (3). Last evaluated 2025-08-04.

Conditions:
Hereditary cancer-predisposing syndrome. Also called: Tumor predisposition; Neoplastic Syndromes, Hereditary; Hereditary Cancer Syndrome; Hereditary neoplastic syndrome. Identifiers: Orphanet 140162, MedGen C0027672, MeSH D009386, MONDO:0015356.
POLD1-related polyposis and colorectal cancer syndrome (CRCS10). Also called: Colorectal cancer 10; COLORECTAL CANCER, SUSCEPTIBILITY TO, ON CHROMOSOME 19q; Colorectal cancer, susceptibility to, 10. Identifiers: Orphanet 220460, MedGen C2675481, MONDO:0012953, OMIM 612591.

Allele frequency attached by ClinVar (database versions not stated): gnomAD exomes below 0.00001; TOPMed below 0.00001.
gnomAD v4.1: 6 of 1,613,026 alleles (0.00037%); highest among the groups gnomAD compares: Admixed American, 0.0017%; no homozygotes.

Submissions (3):

Ambry Genetics
Classification: Uncertain significance for Hereditary cancer-predisposing syndrome. Last evaluated: 2025-08-04. Review status: criteria provided, single submitter. Criteria: Ambry Variant Classification Scheme 2023. Collection method: clinical testing. Allele origin: germline.
Comment: The p.A890T variant (also known as c.2668G>A), located in coding exon 20 of the POLD1 gene, results from a G to A substitution at nucleotide position 2668. The alanine at codon 890 is replaced by threonine, an amino acid with similar properties. This amino acid position is conserved. In addition, this alteration is predicted to be tolerated by in silico analysis. Since supporting evidence is limited at this time, the clinical significance of this alteration remains unclear.

Labcorp Genetics (formerly Invitae), Labcorp
Classification: Uncertain significance for POLD1-related polyposis and colorectal cancer syndrome. Last evaluated: 2025-05-21. Review status: criteria provided, single submitter. Criteria: Invitae Variant Classification Sherloc (09022015). Collection method: clinical testing. Allele origin: germline.
Comment: This sequence change replaces alanine, which is neutral and non-polar, with threonine, which is neutral and polar, at codon 890 of the POLD1 protein (p.Ala890Thr). This variant is not present in population databases (gnomAD no frequency). This variant has not been reported in the literature in individuals affected with POLD1-related conditions. ClinVar contains an entry for this variant (Variation ID: 537131). An algorithm developed to predict the effect of missense changes on protein structure and function (PolyPhen-2) suggests that this variant is likely to be tolerated. In summary, the available evidence is currently insufficient to determine the role of this variant in disease. Therefore, it has been classified as a Variant of Uncertain Significance.

GeneDx
Classification: Uncertain significance. Last evaluated: 2024-03-04. Review status: criteria provided, single submitter. Criteria: GeneDx Variant Classification Process June 2021. Collection method: clinical testing. Allele origin: germline. Affected: yes.
Comment: Not observed at significant frequency in large population cohorts (gnomAD); In silico analysis supports that this missense variant does not alter protein structure/function; Has not been previously published as pathogenic or benign to our knowledge